The following is an entry in ClinVar:

ClinVar aggregate classification (germline): other (0 of 4 stars; one submission).

Conditions:
Familial colorectal cancer. Identifiers: MedGen CN280943, MONDO:0023113. Disease mechanism: loss of function.

Allele frequency attached by ClinVar (database versions not stated): gnomAD 0.00275 and 0.00757; 1000 Genomes Project 0.01318.
gnomAD v4.1: 134 of 17,910 alleles (0.75%); highest among the groups gnomAD compares: South Asian, 18%; no homozygotes.

Submission:

Systems Biology Platform Zhejiang California International NanoSystems Institute
Classification: other for Familial colorectal cancer. Review status: no assertion criteria provided. Collection method: not provided. Allele origin: unknown.
ClinVar note: Converted during submission from cancer to other.

NM_000038.6(APC):c.136-2963T>G

Gene: APC (APC regulator of WNT signaling pathway; plus strand). Cytogenetic location: 5q22.2.
Variant type: single nucleotide variant.
Coding change: c.136-2963T>G on transcript NM_000038.6 (MANE Select); 2963 bases into the intron before coding-DNA position 136, T replaced by G.
Molecular consequence: intron variant.
Genome position (GRCh38, 1-based): chr5:112,763,363, T>G. VCF-style: chr5-112763363-T-G. GRCh37 (hg19) VCF-style: chr5-112099060-T-G.
Other names: c.136-2963T>G (NM_001354895.2, NM_001127510.3, NM_001354896.2 and 2 more transcripts); c.166-2963T>G (NM_001354897.2, NM_001354902.2, NM_001127511.3); c.61-2963T>G (NM_001354898.2, NM_001354904.2); c.-900-2963T>G (NM_001354906.2); c.-42-2963T>G (NM_001354900.2, NM_001354901.2, NM_001354905.2).
Identifiers: ClinVar variation 82848 (VCV000082848.2), dbSNP rs78880731, ClinGen allele CA004680.
Genomic context (GRCh38, chr5:112,763,363, plus strand): 5'-TATATTCTTTTCTCTATACATTTATGCAAACTTGCATTTGATGACATCATATTTTGCAGG[T>G]TTTTTTTTTCTGTGTAATTTATTGTCATCTTACGTCAGATTATGTATTTTACAGTTGCAT-3'